The following is an entry in ClinVar:

NM_015001.3(SPEN):c.2701G>A (p.Ala901Thr)

Gene: SPEN (spen family transcriptional repressor; plus strand). Cytogenetic location: 1p36.13.
Variant type: single nucleotide variant.
Coding change: c.2701G>A on transcript NM_015001.3 (MANE Select); coding-DNA position 2701, G replaced by A.
Protein change: p.Ala901Thr; replaces alanine 901 with threonine.
Molecular consequence: missense variant.
Genome position (GRCh38, 1-based): chr1:15,928,941, G>A. VCF-style: chr1-15928941-G-A. GRCh37 (hg19) VCF-style: chr1-16255436-G-A.
Other names: short protein forms A901T.
Identifiers: ClinVar variation 2571913 (VCV002571913.1), dbSNP rs2071194837, ClinGen allele CA338602747.
Genomic context (GRCh38, chr1:15,928,941, plus strand): 5'-ACTCGAGTGAAAGAGAAAGAGGGAAAGGTCATTGACCACACTCCTGTGGAAAAGTTGAAA[G>A]CCAAGCTTGATAATGACACTGTCAAATCTTCTGCCCTGGACCAGAAACTTCAGGTCTCTC-3'
Protein context (NP_055816.2, residues 891-911): IDHTPVEKLK[Ala901Thr]KLDNDTVKSS

ClinVar aggregate classification (germline): Uncertain significance (1 of 4 stars; one submission).

Allele frequency attached by ClinVar (database versions not stated): gnomAD exomes below 0.00001; TOPMed 0.00001.
gnomAD v4.1: 1 of 1,614,240 alleles (0.000062%); highest among the groups gnomAD compares: Non-Finnish European, 0.000085%; no homozygotes.

Submission:

GeneDx
Classification: Uncertain significance. Last evaluated: 2023-01-06. Review status: criteria provided, single submitter. Criteria: GeneDx Variant Classification Process June 2021. Collection method: clinical testing. Allele origin: germline. Affected: yes.
Comment: Not observed at significant frequency in large population cohorts (gnomAD); In silico analysis supports that this missense variant does not alter protein structure/function; Has not been previously published as pathogenic or benign to our knowledge